The following is an entry in ClinVar:

NM_173602.3(DIP2B):c.1537C>T (p.Pro513Ser)

Gene: DIP2B (DIP2 acetate--CoA ligase B (putative); plus strand). Cytogenetic location: 12q13.12.
Variant type: single nucleotide variant.
Coding change: c.1537C>T on transcript NM_173602.3 (MANE Select); coding-DNA position 1537, C replaced by T.
Protein change: p.Pro513Ser; replaces proline 513 with serine.
Molecular consequence: missense variant.
Genome position (GRCh38, 1-based): chr12:50,686,668, C>T. VCF-style: chr12-50686668-C-T. GRCh37 (hg19) VCF-style: chr12-51080451-C-T.
Other names: short protein forms P513S.
Identifiers: ClinVar variation 1806377 (VCV001806377.2), dbSNP rs778831870, ClinGen allele CA6564541.

ClinVar aggregate classification (germline): Uncertain significance. Review status: criteria provided, multiple submitters, no conflicts (2 of 4 stars). 2 submissions from 2 submitters: Uncertain significance (2). Last evaluated 2025-10-14.

Conditions:
Intellectual developmental disorder, FRA12A type. Also called: Intellectual disability, FRA12A type. Identifiers: MedGen C1969893, MONDO:0007634, OMIM 136630.

Allele frequency attached by ClinVar (database versions not stated): ExAC 0.00001; gnomAD exomes below 0.00001.
gnomAD v4.1: 5 of 1,613,882 alleles (0.00031%); highest among the groups gnomAD compares: Non-Finnish European, 0.00042%; no homozygotes.

Submissions (2):

Ambry Genetics
Classification: Uncertain significance. Last evaluated: 2025-10-14. Review status: criteria provided, single submitter. Criteria: Ambry Variant Classification Scheme 2023. Collection method: clinical testing. Allele origin: germline.

Victorian Clinical Genetics Services, Murdoch Childrens Research Institute
Classification: Uncertain significance for Intellectual developmental disorder, FRA12A type. Last evaluated: 2020-07-02. Review status: criteria provided, single submitter. Criteria: ACMG Guidelines, 2015. Collection method: clinical testing. Allele origin: germline. Inheritance: Autosomal dominant inheritance.
Comment: Based on the classification scheme VCGS_Germline_v1.1.1, this variant is classified as 3C-VUS. Following criteria are met: 0105 - The mechanism of disease for this gene is not clearly established. (N) 0107 - This gene is known to be associated with autosomal dominant disease. (N) 0200 - Variant is predicted to result in a missense amino acid change from proline to serine (exon 12). (N) 0251 - Variant is heterozygous. (N) 0302 - Variant is present in gnomAD <0.001 for a dominant condition (1 heterozygote, 0 homozygotes). (P) 0309 - An alternative amino acid change at the same position has been observed in gnomAD (47 heterozygotes, 1 homozygotes). (N) 0503 - Missense variant consistently predicted to be tolerated or not conserved in mammals with a minor amino acid change. (B) 0600 - Variant is located in an annotated domain or motif (AMP binding domain; PDB). (N) 0705 - No comparable variants have previous evidence for pathogenicity. (N) 0807 - Variant has not previously been reported in a clinical context. (N) 0905 - No segregation evidence has been identified for this variant. (N) 1007 - No published functional evidence has been identified for this variant. (N) 1208 - Inheritance information for this variant is not currently available. (N) Legend: (P) - Pathogenic, (N) - Neutral, (B) - Benign